The following is an entry in ClinVar:

ClinVar aggregate classification (germline): Uncertain significance (1 of 4 stars; one submission).

gnomAD v4.1: 2 of 1,605,584 alleles (0.00012%); highest among the groups gnomAD compares: African/African-American, 0.0013%; no homozygotes.

Submission:

Dasa
Classification: Uncertain significance. Last evaluated: 2026-02-19. Review status: criteria provided, single submitter. Criteria: DASA Assertion Criteria. Collection method: clinical testing. Allele origin: germline.
Comment: NM_000494.4(COL17A1):c.3218A>C (p.Tyr1073Ser) is a missense variant that results in the substitution of tyrosine with serine. This variant is rare in population databases. The currently available literature and clinical evidence are not sufficient to establish a definitive association between this variant and the reported condition. Therefore, this variant is classified as a variant of uncertain significance.

NM_000494.4(COL17A1):c.3218A>C (p.Tyr1073Ser)

Gene: COL17A1 (collagen type XVII alpha 1 chain; minus strand). Cytogenetic location: 10q25.1.
Variant type: single nucleotide variant.
Coding change: c.3218A>C on transcript NM_000494.4 (MANE Select); coding-DNA position 3218, A replaced by C.
Protein change: p.Tyr1073Ser; replaces tyrosine 1073 with serine.
Molecular consequence: missense variant.
Genome position (GRCh38, 1-based): chr10:104,037,104, T>G on the plus strand (A>C on the coding strand, the complement: COL17A1 is on the minus strand). VCF-style: chr10-104037104-T-G. GRCh37 (hg19) VCF-style: chr10-105796862-T-G.
Other names: short protein forms Y1073S.
Identifiers: ClinVar variation 5020705 (VCV005020705.1).